The following is an entry in ClinVar:

NM_001164665.2(KIAA1549):c.4562C>T (p.Ala1521Val)

Gene: KIAA1549 (KIAA1549; minus strand). Cytogenetic location: 7q34.
Variant type: single nucleotide variant.
Coding change: c.4562C>T on transcript NM_001164665.2 (MANE Select); coding-DNA position 4562, C replaced by T.
Protein change: p.Ala1521Val; replaces alanine 1521 with valine.
Molecular consequence: missense variant.
Genome position (GRCh38, 1-based): chr7:138,869,751, G>A on the plus strand (C>T on the coding strand, the complement: KIAA1549 is on the minus strand). VCF-style: chr7-138869751-G-A. GRCh37 (hg19) VCF-style: chr7-138554497-G-A.
Other names: c.4562C>T, p.Ala1521Val (NM_020910.3); c.4562C>T (NM_001164665.1); short protein forms A1521V.
Identifiers: ClinVar variation 1042019 (VCV001042019.8), dbSNP rs749638172, ClinGen allele CA4505836.
Genomic context (GRCh38, chr7:138,869,751, plus strand): 5'-CGCTTGGCGCGCAGGCGGATCTTGTTGCGATGGTGCTCGATCTCAGACTTGTGCCGCAGC[G>A]CGGTCTGAATCTGAGGAAGGGTGAGGGAGAGAAAGACAGCCATAGAGGTCCCGGGAAGCT-3'
Protein context (NP_001158137.1, residues 1511-1531): SNKINKEIQT[Ala1521Val]LRHKSEIEHH

ClinVar aggregate classification (germline): Uncertain significance. Review status: criteria provided, multiple submitters, no conflicts (2 of 4 stars). 3 submissions from 3 submitters: Uncertain significance (3). Last evaluated 2022-06-20.

Conditions:
Inborn genetic diseases. Identifiers: MedGen C0950123, MeSH D030342.

Allele frequency attached by ClinVar (database versions not stated): gnomAD 0.00001; gnomAD exomes 0.00001 and 0.00002; TOPMed 0.00003; ExAC 0.00004.
gnomAD v4.1: 14 of 1,609,416 alleles (0.00087%); highest among the groups gnomAD compares: South Asian, 0.0088%; 1 homozygote.

Submissions (3):

Labcorp Genetics (formerly Invitae), Labcorp
Classification: Uncertain significance. Last evaluated: 2022-06-20. Review status: criteria provided, single submitter. Criteria: Invitae Variant Classification Sherloc (09022015). Collection method: clinical testing. Allele origin: germline.
Comment: In summary, the available evidence is currently insufficient to determine the role of this variant in disease. Therefore, it has been classified as a Variant of Uncertain Significance. Algorithms developed to predict the effect of missense changes on protein structure and function are either unavailable or do not agree on the potential impact of this missense change (SIFT: "Deleterious"; PolyPhen-2: "Probably Damaging"; Align-GVGD: "Class C0"). This sequence change replaces alanine, which is neutral and non-polar, with valine, which is neutral and non-polar, at codon 1521 of the KIAA1549 protein (p.Ala1521Val). This variant is present in population databases (rs749638172, gnomAD 0.01%). This variant has not been reported in the literature in individuals affected with KIAA1549-related conditions. ClinVar contains an entry for this variant (Variation ID: 1042019).

Blueprint Genetics
Classification: Uncertain significance. Last evaluated: 2022-02-10. Review status: criteria provided, single submitter. Criteria: ACMG Guidelines, 2015. Collection method: clinical testing. Allele origin: germline.

Ambry Genetics
Classification: Uncertain significance for Inborn genetic diseases. Last evaluated: 2021-08-17. Review status: criteria provided, single submitter. Criteria: Ambry Variant Classification Scheme 2023. Collection method: clinical testing. Allele origin: germline.